The following is an entry in ClinVar:

ClinVar aggregate classification (germline): Conflicting classifications of pathogenicity. Review status: criteria provided, conflicting classifications (1 of 4 stars). 6 submissions from 6 submitters: Uncertain significance (2); Likely benign (2). 2 of the submissions do not count toward it. Last evaluated 2026-06-07.

Conditions:
Inborn genetic diseases. Identifiers: MedGen C0950123, MeSH D030342.
TWNK-related disorder. Also called: TWNK-related condition.

Allele frequency attached by ClinVar (database versions not stated): ExAC 0.00002; gnomAD exomes 0.00002 and 0.00004; ESP Exome Variant Server 0.00008; gnomAD 0.00011; TOPMed 0.00011.
gnomAD v4.1: 52 of 1,614,156 alleles (0.0032%); highest among the groups gnomAD compares: African/African-American, 0.027%; no homozygotes.

Submissions (6):

PreventionGenetics, part of Exact Sciences
Classification: Uncertain significance for TWNK-related condition. Last evaluated: 2026-06-07. Review status: criteria provided, single submitter. Criteria: ACMG Guidelines, 2015. Collection method: clinical testing. Allele origin: germline.
Comment: The TWNK c.169G>A variant is predicted to result in the amino acid substitution p.Ala57Thr. To our knowledge, this variant has not been reported in the literature. This variant is reported in 0.036% of alleles in individuals of African descent in gnomAD. At this time, the clinical significance of this variant is uncertain due to the absence of conclusive functional and genetic evidence.

Labcorp Genetics (formerly Invitae), Labcorp
Classification: Likely benign. Last evaluated: 2024-10-30. Review status: criteria provided, single submitter. Criteria: Invitae Variant Classification Sherloc (09022015). Collection method: clinical testing. Allele origin: germline.

GeneDx
Classification: Uncertain significance. Last evaluated: 2024-01-31. Review status: criteria provided, single submitter. Criteria: GeneDx Variant Classification Process June 2021. Collection method: clinical testing. Allele origin: germline. Affected: yes.
Comment: In silico analysis supports that this missense variant does not alter protein structure/function; Has not been previously published as pathogenic or benign to our knowledge

Ambry Genetics
Classification: Likely benign for Inborn genetic diseases. Last evaluated: 2021-10-06. Review status: criteria provided, single submitter. Criteria: Ambry Variant Classification Scheme 2023. Collection method: clinical testing. Allele origin: germline.

Clinical Genetics DNA and cytogenetics Diagnostics Lab, Erasmus MC, Erasmus Medical Center
Classification: Likely benign. Review status: no assertion criteria provided. Collection method: clinical testing. Allele origin: germline. Affected: yes. Study: VKGL Data-share Consensus. Not counted in ClinVar's aggregate classification.

Genome Diagnostics Laboratory, University Medical Center Utrecht
Classification: Likely benign. Review status: no assertion criteria provided. Collection method: clinical testing. Allele origin: germline. Affected: yes. Study: VKGL Data-share Consensus. Not counted in ClinVar's aggregate classification.

NM_021830.5(TWNK):c.169G>A (p.Ala57Thr)

Gene: TWNK (twinkle mtDNA helicase; plus strand). Cytogenetic location: 10q24.31.
Variant type: single nucleotide variant.
Coding change: c.169G>A on transcript NM_021830.5 (MANE Select); coding-DNA position 169, G replaced by A.
Protein change: p.Ala57Thr; replaces alanine 57 with threonine.
Molecular consequence: missense variant. On other transcripts: non-coding transcript variant (4), intron variant (3).
Genome position (GRCh38, 1-based): chr10:100,988,379, G>A. VCF-style: chr10-100988379-G-A. GRCh37 (hg19) VCF-style: chr10-102748136-G-A.
Other names: c.169G>A, p.Ala57Thr (NM_001163812.2); c.-120+766G>A (NM_001163814.2, NM_001163813.2); c.-58+766G>A (NM_001368275.1); short protein forms A57T.
Identifiers: ClinVar variation 1285140 (VCV001285140.11), dbSNP rs373068264, ClinGen allele CA5653032.